The following is an entry in ClinVar:

NM_005585.5(SMAD6):c.640C>G (p.Arg214Gly)

Gene: SMAD6 (SMAD family member 6; plus strand). Cytogenetic location: 15q22.31.
Variant type: single nucleotide variant.
Coding change: c.640C>G on transcript NM_005585.5 (MANE Select); coding-DNA position 640, C replaced by G.
Protein change: p.Arg214Gly; replaces arginine 214 with glycine.
Molecular consequence: missense variant. On other transcripts: non-coding transcript variant (1).
Genome position (GRCh38, 1-based): chr15:66,703,898, C>G. VCF-style: chr15-66703898-C-G. GRCh37 (hg19) VCF-style: chr15-66996236-C-G.
Other names: short protein forms R214G.
Identifiers: ClinVar variation 1753370 (VCV001753370.2), dbSNP rs1893044360, ClinGen allele CA392949949.
Genomic context (GRCh38, chr15:66,703,898, plus strand): 5'-GCGGTGGAGTCCCGCGGCGGCGTGCCGGGCGGCTGCGTGCTGGTGCCGCGCGCCGACCTC[C>G]GCCTGGGCGGCCAGCCCGCGCCGCCGCAGCTGCTGCTCGGCCGCCTCTTTCGCTGGCCCG-3'
Protein context (NP_005576.3, residues 204-224): GCVLVPRADL[Arg214Gly]LGGQPAPPQL

ClinVar aggregate classification (germline): Uncertain significance (1 of 4 stars; one submission).

Conditions:
Inborn genetic diseases. Identifiers: MedGen C0950123, MeSH D030342.

Submission:

Ambry Genetics
Classification: Uncertain significance for Inborn genetic diseases. Last evaluated: 2022-08-24. Review status: criteria provided, single submitter. Criteria: Ambry Variant Classification Scheme 2023. Collection method: clinical testing. Allele origin: germline.
Comment: The p.R214G variant (also known as c.640C>G), located in coding exon 1 of the SMAD6 gene, results from a C to G substitution at nucleotide position 640. The arginine at codon 214 is replaced by glycine, an amino acid with dissimilar properties. This amino acid position is conserved. In addition, this alteration is predicted to be tolerated by in silico analysis. Since supporting evidence is limited at this time, the clinical significance of this alteration remains unclear.